The following is an entry in ClinVar:

ClinVar aggregate classification (germline): Uncertain significance (1 of 4 stars; one submission).

Conditions:
Fanconi anemia complementation group O. Also called: RAD51C-Related Fanconi Anemia. Identifiers: Orphanet 84, MedGen C3150653, MONDO:0013248, OMIM 613390.

Submission:

Labcorp Genetics (formerly Invitae), Labcorp
Classification: Uncertain significance for Fanconi anemia complementation group O. Last evaluated: 2025-07-02. Review status: criteria provided, single submitter. Criteria: Invitae Variant Classification Sherloc (09022015). Collection method: clinical testing. Allele origin: germline.
Comment: This sequence change replaces histidine, which is basic and polar, with tyrosine, which is neutral and polar, at codon 187 of the RAD51C protein (p.His187Tyr). This variant is not present in population databases (gnomAD no frequency). This variant has not been reported in the literature in individuals affected with RAD51C-related conditions. An algorithm developed to predict the effect of missense changes on protein structure and function (PolyPhen-2) suggests that this variant is likely to be tolerated. In summary, the available evidence is currently insufficient to determine the role of this variant in disease. Therefore, it has been classified as a Variant of Uncertain Significance.

NM_058216.3(RAD51C):c.559C>T (p.His187Tyr)

Gene: RAD51C (RAD51 paralog C; plus strand). Cytogenetic location: 17q22.
Variant type: single nucleotide variant.
Coding change: c.559C>T on transcript NM_058216.3 (MANE Select); coding-DNA position 559, C replaced by T.
Protein change: p.His187Tyr; replaces histidine 187 with tyrosine.
Molecular consequence: missense variant.
Genome position (GRCh38, 1-based): chr17:58,696,847, C>T. VCF-style: chr17-58696847-C-T. GRCh37 (hg19) VCF-style: chr17-56774208-C-T.
Other names: short protein forms H187Y.
Identifiers: ClinVar variation 4722591 (VCV004722591.1).